The following is an entry in ClinVar:

NM_005219.5(DIAPH1):c.3652C>T (p.Pro1218Ser)

Gene: DIAPH1 (diaphanous related formin 1; minus strand). Cytogenetic location: 5q31.3.
Variant type: single nucleotide variant.
Coding change: c.3652C>T on transcript NM_005219.5 (MANE Select); coding-DNA position 3652, C replaced by T.
Protein change: p.Pro1218Ser; replaces proline 1218 with serine.
Molecular consequence: missense variant.
Genome position (GRCh38, 1-based): chr5:141,524,152, G>A on the plus strand (C>T on the coding strand, the complement: DIAPH1 is on the minus strand). VCF-style: chr5-141524152-G-A. GRCh37 (hg19) VCF-style: chr5-140903719-G-A.
Other names: c.3625C>T, p.Pro1209Ser (NM_001079812.3); c.3652C>T, p.Pro1218Ser (NM_001314007.2); short protein forms P1209S, P1218S.
Identifiers: ClinVar variation 3752002 (VCV003752002.2).

ClinVar aggregate classification (germline): Uncertain significance (1 of 4 stars; one submission).

Conditions:
Autosomal dominant nonsyndromic hearing loss 1. Also called: KONIGSMARK SYNDROME; DEAFNESS, AUTOSOMAL DOMINANT 1, WITH OR WITHOUT THROMBOCYTOPENIA. Identifiers: Orphanet 90635, MedGen C1852282, MONDO:0007424, OMIM 124900.
Progressive microcephaly-seizures-cortical blindness-developmental delay syndrome. Also called: Seizures, cortical blindness, and microcephaly syndrome. Identifiers: Orphanet 477814, MedGen C5567650, MONDO:0014714, OMIM 616632.

gnomAD v4.1: 1 of 1,613,936 alleles (0.000062%); highest among the groups gnomAD compares: African/African-American, 0.0013%; no homozygotes.

Submission:

Labcorp Genetics (formerly Invitae), Labcorp
Classification: Uncertain significance for Progressive microcephaly-seizures-cortical blindness-developmental delay syndrome; Autosomal dominant nonsyndromic hearing loss 1. Last evaluated: 2024-05-23. Review status: criteria provided, single submitter. Criteria: Invitae Variant Classification Sherloc (09022015). Collection method: clinical testing. Allele origin: germline.
Comment: This sequence change replaces proline, which is neutral and non-polar, with serine, which is neutral and polar, at codon 1218 of the DIAPH1 protein (p.Pro1218Ser). This variant is not present in population databases (gnomAD no frequency). This variant has not been reported in the literature in individuals affected with DIAPH1-related conditions. An algorithm developed to predict the effect of missense changes on protein structure and function (PolyPhen-2) suggests that this variant is likely to be disruptive. In summary, the available evidence is currently insufficient to determine the role of this variant in disease. Therefore, it has been classified as a Variant of Uncertain Significance.